The following is an entry in ClinVar:

ClinVar aggregate classification (germline): Uncertain significance (1 of 4 stars; one submission).

Conditions:
Cardiovascular phenotype. Identifiers: MedGen CN230736.

Submission:

Ambry Genetics
Classification: Uncertain significance for Cardiovascular phenotype. Last evaluated: 2026-01-20. Review status: criteria provided, single submitter. Criteria: Ambry Variant Classification Scheme 2023. Collection method: clinical testing. Allele origin: germline.
Comment: The p.I429T variant (also known as c.1286T>C), located in coding exon 10 of the ENG gene, results from a T to C substitution at nucleotide position 1286. The isoleucine at codon 429 is replaced by threonine, an amino acid with similar properties. This amino acid position is conserved. In addition, this alteration is predicted to be tolerated by in silico analysis. Based on the available evidence, the clinical significance of this variant remains unclear.

NM_001114753.3(ENG):c.1286T>C (p.Ile429Thr)

Genes: ENG (endoglin; minus strand), LOC102723566 (uncharacterized LOC102723566; plus strand). Cytogenetic location: 9q34.11.
Variant type: single nucleotide variant.
Coding change: c.1286T>C on transcript NM_001114753.3 (MANE Select); coding-DNA position 1286, T replaced by C.
Protein change: p.Ile429Thr; replaces isoleucine 429 with threonine.
Molecular consequence: missense variant.
Genome position (GRCh38, 1-based): chr9:127,819,647, A>G on the plus strand (T>C on the coding strand, the complement: ENG is on the minus strand). VCF-style: chr9-127819647-A-G. GRCh37 (hg19) VCF-style: chr9-130581926-A-G.
Other names: c.740T>C, p.Ile247Thr (NM_001278138.2); c.1286T>C, p.Ile429Thr (NM_000118.4); short protein forms I429T, I247T.
Identifiers: ClinVar variation 4843444 (VCV004843444.1).